The following is an entry in ClinVar:

NM_015215.4(CAMTA1):c.2616G>A (p.Met872Ile)

Gene: CAMTA1 (calmodulin binding transcription activator 1; plus strand). Cytogenetic location: 1p36.23.
Variant type: single nucleotide variant.
Coding change: c.2616G>A on transcript NM_015215.4 (MANE Select); coding-DNA position 2616, G replaced by A.
Protein change: p.Met872Ile; replaces methionine 872 with isoleucine.
Molecular consequence: missense variant.
Genome position (GRCh38, 1-based): chr1:7,665,163, G>A. VCF-style: chr1-7665163-G-A. GRCh37 (hg19) VCF-style: chr1-7725223-G-A.
Other names: c.2526G>A, p.Met842Ile (NM_001349608.2, NM_001349612.2); c.2616G>A, p.Met872Ile (NM_001349609.2, NM_001349610.2, NM_001410737.1); c.2544G>A, p.Met848Ile (NM_001410738.1); short protein forms M842I, M848I, M872I.
Identifiers: ClinVar variation 3349853 (VCV003349853.2).

ClinVar aggregate classification (germline): Uncertain significance (1 of 4 stars; one submission).

Conditions:
CAMTA1-related disorder. Also called: CAMTA1-related condition.

Submission:

PreventionGenetics, part of Exact Sciences
Classification: Uncertain significance for CAMTA1-related condition. Last evaluated: 2026-06-29. Review status: criteria provided, single submitter. Criteria: ACMG Guidelines, 2015. Collection method: clinical testing. Allele origin: germline.
Comment: The CAMTA1 c.2616G>A variant is predicted to result in the amino acid substitution p.Met872Ile. To our knowledge, this variant has not been reported in the literature or in a large population database, indicating this variant is rare. At this time, the clinical significance of this variant is uncertain due to the absence of conclusive functional and genetic evidence.